The following is an entry in ClinVar:

NM_033132.5(ZIC5):c.365A>T (p.Gln122Leu)

Gene: ZIC5 (Zic family zinc finger 5; minus strand). Cytogenetic location: 13q32.3.
Variant type: single nucleotide variant.
Coding change: c.365A>T on transcript NM_033132.5 (MANE Select); coding-DNA position 365, A replaced by T.
Protein change: p.Gln122Leu; replaces glutamine 122 with leucine.
Molecular consequence: missense variant. On other transcripts: non-coding transcript variant (1).
Genome position (GRCh38, 1-based): chr13:99,971,239, T>A on the plus strand (A>T on the coding strand, the complement: ZIC5 is on the minus strand). VCF-style: chr13-99971239-T-A. GRCh37 (hg19) VCF-style: chr13-100623493-T-A.
Other names: short protein forms Q122L.
Identifiers: ClinVar variation 2643893 (VCV002643893.24), dbSNP rs774220389, ClinGen allele CA7032690.

ClinVar aggregate classification (germline): Likely benign (1 of 4 stars; one submission).

Allele frequency attached by ClinVar (database versions not stated): 1000 Genomes Project 30x 0.00062; TOPMed 0.00420; gnomAD 0.00466.

Submission:

CeGaT Center for Human Genetics Tuebingen
Classification: Likely benign. Last evaluated: 2023-03-01. Review status: criteria provided, single submitter. Criteria: CeGaT Center For Human Genetics Tuebingen Variant Classification Criteria Version 2. Collection method: clinical testing. Allele origin: germline. Affected: yes. Observed: 1 variant allele.
Comment: ZIC5: BS2